The following is an entry in ClinVar:

NM_144639.3(UROC1):c.193G>T (p.Ala65Ser)

Gene: UROC1 (urocanate hydratase 1; minus strand). Cytogenetic location: 3q21.3.
Variant type: single nucleotide variant.
Coding change: c.193G>T on transcript NM_144639.3 (MANE Select); coding-DNA position 193, G replaced by T.
Protein change: p.Ala65Ser; replaces alanine 65 with serine.
Molecular consequence: missense variant.
Genome position (GRCh38, 1-based): chr3:126,510,728, C>A on the plus strand (G>T on the coding strand, the complement: UROC1 is on the minus strand). VCF-style: chr3-126510728-C-A. GRCh37 (hg19) VCF-style: chr3-126229571-C-A.
Other names: c.193G>T, p.Ala65Ser (NM_001165974.2); short protein forms A65S.
Identifiers: ClinVar variation 787257 (VCV000787257.6), dbSNP rs73859506, ClinGen allele CA2591654.

ClinVar aggregate classification (germline): Benign. Review status: criteria provided, single submitter (1 of 4 stars). 2 submissions from 2 submitters: Benign (1). 1 of the submissions does not count toward it. Last evaluated 2019-12-31.

Conditions:
UROC1-related disorder. Also called: UROC1-related condition.

Allele frequency attached by ClinVar (database versions not stated): gnomAD exomes 0.00027 and 0.00067; ExAC 0.00090; 1000 Genomes Project 0.00260; 1000 Genomes Project 30x 0.00281; gnomAD 0.00283 and 0.00305; TOPMed 0.00301; ESP Exome Variant Server 0.00338.
gnomAD v4.1: 842 of 1,614,166 alleles (0.052%); highest among the groups gnomAD compares: African/African-American, 1%; 6 homozygotes.

Submissions (2):

Labcorp Genetics (formerly Invitae), Labcorp
Classification: Benign. Last evaluated: 2019-12-31. Review status: criteria provided, single submitter. Criteria: Invitae Variant Classification Sherloc (09022015). Collection method: clinical testing. Allele origin: germline.

PreventionGenetics, part of Exact Sciences
Classification: Benign for UROC1-related condition. Last evaluated: 2019-08-10. Review status: no assertion criteria provided. Collection method: clinical testing. Allele origin: germline. Not counted in ClinVar's aggregate classification.
Comment: This variant is classified as benign based on ACMG/AMP sequence variant interpretation guidelines (Richards et al. 2015 PMID: 25741868, with internal and published modifications).